The following is an entry in ClinVar:

NM_005523.6(HOXA11):c.55A>G (p.Thr19Ala)

Genes: HOXA11 (homeobox A11; minus strand), LOC107126281 (NUP98-HOXA11 recombination region; plus strand). Cytogenetic location: 7p15.2.
Variant type: single nucleotide variant.
Coding change: c.55A>G on transcript NM_005523.6 (MANE Select); coding-DNA position 55, A replaced by G.
Protein change: p.Thr19Ala; replaces threonine 19 with alanine.
Molecular consequence: missense variant.
Genome position (GRCh38, 1-based): chr7:27,185,090, T>C on the plus strand (A>G on the coding strand, the complement: HOXA11 is on the minus strand). VCF-style: chr7-27185090-T-C. GRCh37 (hg19) VCF-style: chr7-27224709-T-C.
Other names: short protein forms T19A.
Identifiers: ClinVar variation 4998217 (VCV004998217.1).

ClinVar aggregate classification (germline): Uncertain significance (1 of 4 stars; one submission).

Conditions:
HOXA11-related disorder. Also called: HOXA11-related condition.

Submission:

PreventionGenetics, part of Exact Sciences
Classification: Uncertain significance for HOXA11-related condition. Last evaluated: 2025-03-24. Review status: criteria provided, single submitter. Criteria: ACMG Guidelines, 2015. Collection method: clinical testing. Allele origin: germline.
Comment: The HOXA11 c.55A>G variant is predicted to result in the amino acid substitution p.Thr19Ala. To our knowledge, this variant has not been reported in the literature or in a large population database (gnomAD), indicating this variant is rare. At this time, the clinical significance of this variant is uncertain due to the absence of conclusive functional and genetic evidence.